The following is an entry in ClinVar:

ClinVar aggregate classification (germline): Pathogenic. Review status: criteria provided, multiple submitters, no conflicts (2 of 4 stars). 9 submissions from 9 submitters: Pathogenic (9). Last evaluated 2025-10-10.

Conditions:
BRCA2-related disorder. Also called: BRCA2-related condition; BRCA2-related disorders. Identifiers: MedGen CN239275.
BRCA2-related cancer predisposition. Identifiers: MedGen CN377758, MONDO:0700269.
Hereditary cancer-predisposing syndrome. Also called: Neoplastic Syndromes, Hereditary; Tumor predisposition; Hereditary Cancer Syndrome; Hereditary neoplastic syndrome. Identifiers: Orphanet 140162, MedGen C0027672, MeSH D009386, MONDO:0015356.
Hereditary breast ovarian cancer syndrome. Also called: Breast and ovarian cancer; Hereditary breast and ovarian cancer; Hereditary breast and ovarian cancer syndrome; Hereditary breast and/or ovarian cancer syndrome; Hereditary breast and ovarian cancer syndrome (HBOC); BRCA1- and BRCA2-Associated Hereditary Breast and Ovarian Cancer. Identifiers: Orphanet 145, MedGen C0677776, MeSH D061325, MONDO:0003582. Disease mechanism: loss of function.
Breast-ovarian cancer, familial, susceptibility to, 2 (BROVCA2). Also called: BRCA2 Hereditary Breast and Ovarian Cancer. Identifiers: Orphanet 145, MedGen C2675520, MONDO:0012933, OMIM 612555. Disease mechanism: loss of function.

Allele frequency attached by ClinVar (database versions not stated): gnomAD 0.00003.

Submissions (9):

Quest Diagnostics Nichols Institute San Juan Capistrano
Classification: Pathogenic. Last evaluated: 2025-10-10. Review status: criteria provided, single submitter. Criteria: Quest Diagnostics criteria. Collection method: clinical testing. Allele origin: unknown.
Comment: The BRCA2 c.9097_9098insT (p.Thr3033Ilefs*11) variant alters the translational reading frame of the BRCA2 mRNA and causes the premature termination of BRCA2 protein synthesis. This variant has been reported in the published literature in individuals with a personal and/or family history of breast and/or ovarian cancer (PMID: 34680387 (2021), 25556971 (2015), 22970155 (2012), 9150172 (1997)), pancreatic cancer (PMID: 25940717 (2015)), and Fanconi anemia (PMID: 21138478 (2011)). The frequency of this variant in the general population (Genome Aggregation Database) is consistent with pathogenicity. Based on the available information, this variant is classified as pathogenic.

Women's Health and Genetics/Laboratory Corporation of America, LabCorp
Classification: Pathogenic for Hereditary breast ovarian cancer syndrome. Last evaluated: 2024-10-14. Review status: criteria provided, single submitter. Criteria: LabCorp Variant Classification Summary - May 2015. Collection method: clinical testing. Allele origin: germline.
Comment: Variant summary: BRCA2 c.9097_9098insT (p.Thr3033IlefsX11) results in a premature termination codon, predicted to cause a truncation of the encoded protein or absence of the protein due to nonsense mediated decay, which are commonly known mechanisms for disease. The variant was absent in 249460 control chromosomes. c.9097_9098insT has been reported in the literature in at-least one individual affected with Hereditary Breast And Ovarian Cancer (example: Trujillano_2015). The following publication has been ascertained in the context of this evaluation (PMID: 25556971). ClinVar contains an entry for this variant (Variation ID: 409583). Based on the evidence outlined above, the variant was classified as pathogenic.

All of Us Research Program, National Institutes of Health
Classification: Pathogenic for BRCA2-related cancer predisposition. Last evaluated: 2024-09-27. Review status: criteria provided, single submitter. Criteria: ACMG Guidelines, 2015. Collection method: clinical testing. Allele origin: germline. Inheritance: Autosomal dominant inheritance. Observed: 1 variant allele, 1 heterozygote.
Comment: The c.9097_9098insT variant in the BRCA2 gene is located on the exon 23 and is predicted to cause shift of reading frame which introduces a premature translation termination codon (p.Thr3033Ilefs*11), resulting in an absent or disrupted protein product. The variant has been reported from an individual with hereditary breast and ovarian cancer (PMID: 25556971). Other protein truncating variants located in the same exon (p.Tyr3006*, p.Gln3037*) have been interpreted as pathogenic by the expert panel (ClinVar ID: 52728, 52752). Loss-of-function variants in the BRCA2 gene are known to cause hereditary breast and ovarian cancer (PMID: 8988179, 11897832, 29446198). This variant has been classified as pathogenic by multiple submitters in ClinVar (ID: 409583). This variant is rare in the general population according to gnomAD (1/31398 chromosomes). Therefore, the c.9097_9098insT (p.Thr3033Ilefs*11) variant in the BRCA2 gene has been classified as pathogenic.

This study involves interpretation of variants in research participants for the purpose of population health screening. Participant phenotype was not available at the time of variant classification. Additional details can be found in publication PMID: 35346344, PMCID: PMC8962531

Labcorp Genetics (formerly Invitae), Labcorp
Classification: Pathogenic for Hereditary breast ovarian cancer syndrome. Last evaluated: 2024-04-29. Review status: criteria provided, single submitter. Criteria: Invitae Variant Classification Sherloc (09022015). Collection method: clinical testing. Allele origin: germline.
Comment: This sequence change creates a premature translational stop signal (p.Thr3033Ilefs*11) in the BRCA2 gene. It is expected to result in an absent or disrupted protein product. Loss-of-function variants in BRCA2 are known to be pathogenic (PMID: 20104584). This variant is present in population databases (no rsID available, gnomAD 0.007%). This premature translational stop signal has been observed in individual(s) with hereditary breast and/or ovarian cancer syndrome (PMID: 25556971). ClinVar contains an entry for this variant (Variation ID: 409583). For these reasons, this variant has been classified as Pathogenic.

Ambry Genetics
Classification: Pathogenic for Hereditary cancer-predisposing syndrome. Last evaluated: 2022-10-03. Review status: criteria provided, single submitter. Criteria: Ambry Variant Classification Scheme 2023. Collection method: clinical testing. Allele origin: germline.
Comment: The c.9097_9098insT pathogenic mutation, located in coding exon 22 of the BRCA2 gene, results from an insertion of one nucleotide at position 9097, causing a translational frameshift with a predicted alternate stop codon (p.T3033Ifs*11). This alteration has been reported in an individual with clinical suspicion of hereditary breast/ovarian cancer syndrome (Trujillano D et al. J Mol Diagn. 2015 Mar;17:162-70). In addition to the clinical data presented in the literature, this alteration is expected to result in loss of function by premature protein truncation or nonsense-mediated mRNA decay. As such, this alteration is interpreted as a disease-causing mutation.

Blueprint Genetics
Classification: Pathogenic for BRCA2-related disorders. Last evaluated: 2022-03-30. Review status: criteria provided, single submitter. Criteria: ACMG Guidelines, 2015. Collection method: clinical testing. Allele origin: germline. Affected: yes. Observed: 1 variant allele.

Color Diagnostics, LLC DBA Color Health
Classification: Pathogenic for Hereditary cancer-predisposing syndrome. Last evaluated: 2020-01-15. Review status: criteria provided, single submitter. Criteria: ACMG Guidelines, 2015. Collection method: clinical testing. Allele origin: germline.
Comment: This variant inserts 1 nucleotide in exon 23 of the BRCA2 gene, creating a frameshift and premature translation stop signal. This variant is expected to result in an absent or non-functional protein product. This variant has been identified in 1/31398 chromosomes in the general population by the Genome Aggregation Database (gnomAD). Loss of BRCA2 function is a known mechanism of disease. Based on the available evidence, this variant is classified as Pathogenic.

Clinical Genetics and Genomics, Karolinska University Hospital
Classification: Pathogenic. Last evaluated: 2016-07-04. Review status: criteria provided, single submitter. Criteria: ACMG Guidelines, 2015. Collection method: clinical testing. Allele origin: germline. Affected: yes. Observed: 1 variant allele.

Institute of Genomics, University of Tartu
Classification: Pathogenic for Breast-ovarian cancer, familial, susceptibility to, 2. Review status: criteria provided, single submitter. Criteria: ACMG Guidelines, 2015. Collection method: research. Allele origin: germline. Affected: yes. Observed: 2 variant alleles.

Literature cited by the submitters: PubMed 25556971 (cited by 5 submitters); PubMed 25940717 (cited by Quest Diagnostics Nichols Institute San Juan Capistrano); PubMed 22970155 (cited by Quest Diagnostics Nichols Institute San Juan Capistrano); PubMed 21138478 (cited by Quest Diagnostics Nichols Institute San Juan Capistrano); PubMed 9150172 (cited by Quest Diagnostics Nichols Institute San Juan Capistrano); PubMed 34680387 (cited by Quest Diagnostics Nichols Institute San Juan Capistrano); PubMed 8988179 (cited by All of Us Research Program, National Institutes of Health); PubMed 11897832 (cited by All of Us Research Program, National Institutes of Health); PubMed 29446198 (cited by All of Us Research Program, National Institutes of Health); PubMed 20104584 (cited by Labcorp Genetics (formerly Invitae), Labcorp).

NM_000059.4(BRCA2):c.9097_9098insT (p.Thr3033fs)

Gene: BRCA2 (BRCA2 DNA repair associated; plus strand). Cytogenetic location: 13q13.1.
Variant type: Insertion.
Coding change: c.9097_9098insT on transcript NM_000059.4 (MANE Select); coding-DNA positions 9097 to 9098, T inserted.
Protein change: p.Thr3033fs; shifts the reading frame from threonine 3033.
Molecular consequence: frameshift variant.
Genome position: GRCh38 VCF-style: chr13-32379893-A-AT. GRCh37 (hg19) VCF-style: chr13-32954030-A-AT.
Other names: short protein forms T3033fs.
Identifiers: ClinVar variation 409583 (VCV000409583.63), dbSNP rs1555288494, ClinGen allele CA16614239.